The following is an entry in ClinVar:

ClinVar aggregate classification (germline): Uncertain significance (1 of 4 stars; one submission).

gnomAD v4.1: 2 of 1,613,450 alleles (0.00012%); highest among the groups gnomAD compares: African/African-American, 0.0013%; no homozygotes.

Submission:

Women's Health and Genetics/Laboratory Corporation of America, LabCorp
Classification: Uncertain significance. Last evaluated: 2025-07-16. Review status: criteria provided, single submitter. Criteria: LabCorp Variant Classification Summary - May 2015. Collection method: clinical testing. Allele origin: germline.
Comment: Variant summary: TTN NM_133378: c.91360C>A (p.Pro30454Thr), also known as NM_001267550: c.99064C>A (p.Pro33022Thr), results in a non-conservative amino acid change in the encoded protein sequence. Algorithms developed to predict the effect of missense changes on protein structure and function all suggest that this variant is likely to be disruptive. The variant allele was found at a frequency of 4e-06 in 248796 control chromosomes. The available data on variant occurrences in the general population are insufficient to allow any conclusion about variant significance. To our knowledge, no occurrence of c.91360C>A in individuals affected with Autosomal Recessive Titinopathy and no experimental evidence demonstrating its impact on protein function have been reported. No submitters have cited clinical-significance assessments for this variant to ClinVar. Based on the evidence outlined above, the variant was classified as uncertain significance.

NM_001267550.2(TTN):c.99064C>A (p.Pro33022Thr)

Genes: TTN (titin; minus strand), TTN-AS1 (TTN antisense RNA 1; plus strand). Cytogenetic location: 2q31.2.
Variant type: single nucleotide variant.
Coding change: c.99064C>A on transcript NM_001267550.2 (MANE Select); coding-DNA position 99064, C replaced by A.
Protein change: p.Pro33022Thr; replaces proline 33022 with threonine.
Molecular consequence: missense variant. On other transcripts: non-coding transcript variant (1).
Genome position (GRCh38, 1-based): chr2:178,538,765, G>T on the plus strand (C>A on the coding strand, the complement: TTN is on the minus strand). VCF-style: chr2-178538765-G-T. GRCh37 (hg19) VCF-style: chr2-179403492-G-T.
Other names: c.71869C>A, p.Pro23957Thr (NM_003319.4); c.91360C>A, p.Pro30454Thr (NM_133378.4); c.72244C>A, p.Pro24082Thr (NM_133432.3); c.72445C>A, p.Pro24149Thr (NM_133437.4); c.94141C>A, p.Pro31381Thr (NM_001256850.1); short protein forms P24082T, P24149T, P30454T, P33022T, P31381T, P23957T.
Identifiers: ClinVar variation 4525847 (VCV004525847.1).